The following is an entry in ClinVar:

NM_006593.4(TBR1):c.1275C>G (p.Tyr425Ter)

Gene: TBR1 (T-box brain transcription factor 1; plus strand). Cytogenetic location: 2q24.2.
Variant type: single nucleotide variant.
Coding change: c.1275C>G on transcript NM_006593.4 (MANE Select); coding-DNA position 1275, C replaced by G.
Protein change: p.Tyr425Ter; replaces tyrosine 425 with a stop codon.
Molecular consequence: nonsense.
Genome position (GRCh38, 1-based): chr2:161,423,453, C>G. VCF-style: chr2-161423453-C-G. GRCh37 (hg19) VCF-style: chr2-162279964-C-G.
Other names: short protein forms Y425*.
Identifiers: ClinVar variation 5019984 (VCV005019984.1).

ClinVar aggregate classification (germline): Likely pathogenic (1 of 4 stars; one submission).

Conditions:
Intellectual developmental disorder with autism and speech delay. Also called: Autism, susceptibility to, 5; AUTISM-RELATED SPEECH DELAY; Autism 5; PHRASE SPEECH DELAY, AUTISM-RELATED; AUTS5. Identifiers: MedGen C1853755, MONDO:0011627, OMIM 606053.

Submission:

Juno Genomics, Hangzhou Juno Genomics, Inc
Classification: Likely pathogenic for Intellectual developmental disorder with autism and speech delay. Review status: criteria provided, single submitter. Criteria: ACMG Guidelines, 2015. Collection method: clinical testing. Allele origin: germline. Affected: yes.
Comment: Absent from controls (or at extremely low frequency if recessive) in Genome Aggregation Database.;Null variant in a gene where loss of function (LOF) is a known mechanism of disease.;Patient's phenotype or family history is highly specific for a disease with a single genetic etiology.